The following is an entry in ClinVar:

NM_001267550.2(TTN):c.90915C>G (p.Tyr30305Ter)

Genes: TTN-AS1 (TTN antisense RNA 1; plus strand), TTN (titin; minus strand). Cytogenetic location: 2q31.2.
Variant type: single nucleotide variant.
Coding change: c.90915C>G on transcript NM_001267550.2 (MANE Select); coding-DNA position 90915, C replaced by G.
Protein change: p.Tyr30305Ter; replaces tyrosine 30305 with a stop codon.
Molecular consequence: nonsense.
Genome position (GRCh38, 1-based): chr2:178,551,985, G>C on the plus strand (C>G on the coding strand, the complement: TTN is on the minus strand). VCF-style: chr2-178551985-G-C. GRCh37 (hg19) VCF-style: chr2-179416712-G-C.
Other names: c.85992C>G, p.Tyr28664Ter (NM_001256850.1); c.63720C>G, p.Tyr21240Ter (NM_003319.4); c.83211C>G, p.Tyr27737Ter (NM_133378.4); c.64095C>G, p.Tyr21365Ter (NM_133432.3); c.64296C>G, p.Tyr21432Ter (NM_133437.4); short protein forms Y21365*, Y27737*, Y28664*, Y21240*, Y21432*, Y30305*.
Identifiers: ClinVar variation 2941156 (VCV002941156.3), dbSNP rs748302876, ClinGen allele CA349505641.

ClinVar aggregate classification (germline): Likely pathogenic (1 of 4 stars; one submission).

Conditions:
Dilated cardiomyopathy 1G (CMD1G). Identifiers: Orphanet 154, MedGen C1858763, MONDO:0011400, OMIM 604145.
Autosomal recessive limb-girdle muscular dystrophy type 2J (LGMDR10). Also called: Limb-girdle muscular dystrophy, type 2J; MUSCULAR DYSTROPHY, LIMB-GIRDLE, AUTOSOMAL RECESSIVE 10. Identifiers: Orphanet 140922, MedGen C1837342, MONDO:0012127, OMIM 608807.

gnomAD v4.1: 1 of 1,611,742 alleles (0.000062%); highest among the groups gnomAD compares: Non-Finnish European, 0.000085%; no homozygotes.

Submission:

Labcorp Genetics (formerly Invitae), Labcorp
Classification: Likely pathogenic for Dilated cardiomyopathy 1G; Autosomal recessive limb-girdle muscular dystrophy type 2J. Last evaluated: 2025-05-05. Review status: criteria provided, single submitter. Criteria: Invitae Variant Classification Sherloc (09022015). Collection method: clinical testing. Allele origin: germline.
Comment: This sequence change creates a premature translational stop signal (p.Tyr30305*) in the TTN gene. While this is not anticipated to result in nonsense mediated decay, it is expected to create a truncated TTN protein. This variant is not present in population databases (gnomAD no frequency). This variant has not been reported in the literature in individuals affected with TTN-related conditions. ClinVar contains an entry for this variant (Variation ID: 2941156). This variant is located in the A band of TTN (PMID: 25589632). Truncating variants in this region are significantly overrepresented in patients affected with dilated cardiomyopathy (PMID: 25589632). Truncating variants in this region have also been reported in individuals affected with autosomal recessive centronuclear myopathy (PMID: 23975875). In summary, the currently available evidence indicates that the variant is pathogenic, but additional data are needed to prove that conclusively. Therefore, this variant has been classified as Likely Pathogenic.

Literature cited by the submitters: PubMed 25589632; PubMed 23975875.